The following is an entry in ClinVar:

NM_020923.3(ZDBF2):c.3701G>A (p.Arg1234Lys)

Gene: ZDBF2 (zinc finger DBF-type containing 2; plus strand). Cytogenetic location: 2q33.3.
Variant type: single nucleotide variant.
Coding change: c.3701G>A on transcript NM_020923.3 (MANE Select); coding-DNA position 3701, G replaced by A.
Protein change: p.Arg1234Lys; replaces arginine 1234 with lysine.
Molecular consequence: missense variant.
Genome position (GRCh38, 1-based): chr2:206,308,229, G>A. VCF-style: chr2-206308229-G-A. GRCh37 (hg19) VCF-style: chr2-207172953-G-A.
Other names: c.3695G>A, p.Arg1232Lys (NM_001285549.2); c.3701G>A, p.Arg1234Lys (NM_001369654.1); short protein forms R1232K, R1234K.
Identifiers: ClinVar variation 2767240 (VCV002767240.3), dbSNP rs2470582201, ClinGen allele CA350059747.

ClinVar aggregate classification (germline): Uncertain significance (1 of 4 stars; one submission).

Submission:

Labcorp Genetics (formerly Invitae), Labcorp
Classification: Uncertain significance. Last evaluated: 2023-10-09. Review status: criteria provided, single submitter. Criteria: Invitae Variant Classification Sherloc (09022015). Collection method: clinical testing. Allele origin: germline.
Comment: This sequence change replaces arginine, which is basic and polar, with lysine, which is basic and polar, at codon 1234 of the ZDBF2 protein (p.Arg1234Lys). This variant is not present in population databases (gnomAD no frequency). This variant has not been reported in the literature in individuals affected with ZDBF2-related conditions. Algorithms developed to predict the effect of missense changes on protein structure and function output the following: SIFT: "Not Available"; PolyPhen-2: "Benign"; Align-GVGD: "Not Available". The lysine amino acid residue is found in multiple mammalian species, which suggests that this missense change does not adversely affect protein function. In summary, the available evidence is currently insufficient to determine the role of this variant in disease. Therefore, it has been classified as a Variant of Uncertain Significance.